The following is an entry in ClinVar:

NM_033380.3(COL4A5):c.546+4A>G

Gene: COL4A5 (collagen type IV alpha 5 chain; plus strand). Cytogenetic location: Xq22.3.
Variant type: single nucleotide variant.
Coding change: c.546+4A>G on transcript NM_033380.3 (MANE Select); 4 bases into the intron after coding-DNA position 546, A replaced by G.
Molecular consequence: intron variant.
Genome position (GRCh38, 1-based): chrX:108,573,658, A>G. VCF-style: chrX-108573658-A-G. GRCh37 (hg19) VCF-style: chrX-107816888-A-G.
Other names: c.546+4A>G (NM_000495.5).
Identifiers: ClinVar variation 1924075 (VCV001924075.5), dbSNP rs2524217148, ClinGen allele CA2579675877.
Genomic context (GRCh38, chrX:108,573,658, plus strand): 5'-TCATCACTGCCAGGACCAAAGGGTAATCCAGGATATCCAGGTCCTCCTGGAATACAAGTA[A>G]GTATCCAGTGATTTTCTTTTTTTGCTATATTGATTAAACCAGAAGATTACAACAATCCCT-3'

ClinVar aggregate classification (germline): Uncertain significance (1 of 4 stars; one submission).

Submission:

Labcorp Genetics (formerly Invitae), Labcorp
Classification: Uncertain significance. Last evaluated: 2025-12-01. Review status: criteria provided, single submitter. Criteria: Invitae Variant Classification Sherloc (09022015). Collection method: clinical testing. Allele origin: germline.
Comment: This sequence change falls in intron 9 of the COL4A5 gene. It does not directly change the encoded amino acid sequence of the COL4A5 protein. It affects a nucleotide within the consensus splice site. This variant is not present in population databases (gnomAD no frequency). This variant has not been reported in the literature in individuals affected with COL4A5-related conditions. ClinVar contains an entry for this variant (Variation ID: 1924075). Variants that disrupt the consensus splice site are a relatively common cause of aberrant splicing (PMID: 17576681, 9536098). Algorithms developed to predict the effect of sequence changes on RNA splicing suggest that this variant may disrupt the consensus splice site. In summary, the available evidence is currently insufficient to determine the role of this variant in disease. Therefore, it has been classified as a Variant of Uncertain Significance.

Literature cited by the submitters: PubMed 17576681; PubMed 9536098.